The following is an entry in ClinVar:

NM_001375567.1(FOCAD):c.916G>T (p.Val306Phe)

Gene: FOCAD (focadhesin; plus strand). Cytogenetic location: 9p21.3.
Variant type: single nucleotide variant.
Coding change: c.916G>T on transcript NM_001375567.1 (MANE Select); coding-DNA position 916, G replaced by T.
Protein change: p.Val306Phe; replaces valine 306 with phenylalanine.
Molecular consequence: missense variant.
Genome position (GRCh38, 1-based): chr9:20,778,690, G>T. VCF-style: chr9-20778690-G-T. GRCh37 (hg19) VCF-style: chr9-20778689-G-T.
Other names: c.916G>T, p.Val306Phe (NM_001375568.1, NM_017794.5); c.811G>T, p.Val271Phe (NM_001375570.1); short protein forms V271F, V306F.
Identifiers: ClinVar variation 3640915 (VCV003640915.2).

ClinVar aggregate classification (germline): Uncertain significance (1 of 4 stars; one submission).

gnomAD v4.1: 11 of 1,607,534 alleles (0.00068%); highest among the groups gnomAD compares: Non-Finnish European, 0.00068%; no homozygotes.

Submission:

Labcorp Genetics (formerly Invitae), Labcorp
Classification: Uncertain significance. Last evaluated: 2025-06-04. Review status: criteria provided, single submitter. Criteria: Invitae Variant Classification Sherloc (09022015). Collection method: clinical testing. Allele origin: germline.
Comment: This sequence change replaces valine, which is neutral and non-polar, with phenylalanine, which is neutral and non-polar, at codon 306 of the FOCAD protein (p.Val306Phe). This variant is not present in population databases (gnomAD no frequency). This variant has not been reported in the literature in individuals affected with FOCAD-related conditions. ClinVar contains an entry for this variant (Variation ID: 3640915). Experimental studies and prediction algorithms are not available or were not evaluated, and the functional significance of this variant is currently unknown. In summary, the available evidence is currently insufficient to determine the role of this variant in disease. Therefore, it has been classified as a Variant of Uncertain Significance.